The following is an entry in ClinVar:

NM_001244926.2(PRPF4):c.1247C>G (p.Pro416Arg)

Gene: PRPF4 (pre-mRNA splicing tri-snRNP complex factor PRPF4; plus strand). Cytogenetic location: 9q32.
Variant type: single nucleotide variant.
Coding change: c.1247C>G on transcript NM_001244926.2 (MANE Select); coding-DNA position 1247, C replaced by G.
Protein change: p.Pro416Arg; replaces proline 416 with arginine.
Molecular consequence: missense variant. On other transcripts: non-coding transcript variant (2).
Genome position (GRCh38, 1-based): chr9:113,290,801, C>G. VCF-style: chr9-113290801-C-G. GRCh37 (hg19) VCF-style: chr9-116053081-C-G.
Other names: c.521C>G, p.Pro174Arg (NM_001322266.2, NM_001322267.2); c.1250C>G, p.Pro417Arg (NM_004697.5); short protein forms P174R, P416R, P417R.
Identifiers: ClinVar variation 1485786 (VCV001485786.8), dbSNP rs2118648585, ClinGen allele CA374555499.

ClinVar aggregate classification (germline): Uncertain significance (1 of 4 stars; one submission).

Submission:

Labcorp Genetics (formerly Invitae), Labcorp
Classification: Uncertain significance. Last evaluated: 2022-08-16. Review status: criteria provided, single submitter. Criteria: Invitae Variant Classification Sherloc (09022015). Collection method: clinical testing. Allele origin: germline.
Comment: In summary, the available evidence is currently insufficient to determine the role of this variant in disease. Therefore, it has been classified as a Variant of Uncertain Significance. Algorithms developed to predict the effect of missense changes on protein structure and function are either unavailable or do not agree on the potential impact of this missense change (SIFT: "Deleterious"; PolyPhen-2: "Probably Damaging"; Align-GVGD: "Class C0"). ClinVar contains an entry for this variant (Variation ID: 1485786). This variant has not been reported in the literature in individuals affected with PRPF4-related conditions. This variant is not present in population databases (gnomAD no frequency). This sequence change replaces proline, which is neutral and non-polar, with arginine, which is basic and polar, at codon 417 of the PRPF4 protein (p.Pro417Arg).